The following is an entry in ClinVar:

ClinVar aggregate classification (germline): Uncertain significance (1 of 4 stars; one submission).

Conditions:
Nemaline myopathy 2 (NEM2). Also called: Nemaline myopathy 2, autosomal recessive. Identifiers: MedGen C1850569, MONDO:0009725, OMIM 256030.

Allele frequency attached by ClinVar (database versions not stated): ExAC 0.00001; gnomAD exomes 0.00001; TOPMed 0.00001.
gnomAD v4.1: 4 of 1,572,192 alleles (0.00025%); highest among the groups gnomAD compares: Admixed American, 0.0037%; no homozygotes.

Submission:

Labcorp Genetics (formerly Invitae), Labcorp
Classification: Uncertain significance for Nemaline myopathy 2. Last evaluated: 2022-03-17. Review status: criteria provided, single submitter. Criteria: Invitae Variant Classification Sherloc (09022015). Collection method: clinical testing. Allele origin: germline.
Comment: This sequence change falls in intron 66 of the NEB gene. It does not directly change the encoded amino acid sequence of the NEB protein. It affects a nucleotide within the consensus splice site. This variant is present in population databases (rs756309002, gnomAD 0.007%). This variant has not been reported in the literature in individuals affected with NEB-related conditions. Variants that disrupt the consensus splice site are a relatively common cause of aberrant splicing (PMID: 17576681, 9536098). Experimental studies and prediction algorithms are not available or were not evaluated, and the effect of this variant on mRNA splicing is currently unknown. In summary, the available evidence is currently insufficient to determine the role of this variant in disease. Therefore, it has been classified as a Variant of Uncertain Significance.

Literature cited by the submitters: PubMed 17576681; PubMed 9536098.

NM_001164508.2(NEB):c.9619-3T>C

Gene: NEB (nebulin; minus strand). Cytogenetic location: 2q23.3.
Variant type: single nucleotide variant.
Coding change: c.9619-3T>C on transcript NM_001164508.2 (MANE Select); 3 bases into the intron before coding-DNA position 9619, T replaced by C.
Molecular consequence: intron variant.
Genome position (GRCh38, 1-based): chr2:151,630,822, A>G on the plus strand (T>C on the coding strand, the complement: NEB is on the minus strand). VCF-style: chr2-151630822-A-G. GRCh37 (hg19) VCF-style: chr2-152487336-A-G.
Other names: c.8890-3T>C (NM_004543.5); c.9619-3T>C (NM_001164507.2, NM_001271208.2).
Identifiers: ClinVar variation 1366134 (VCV001366134.3), dbSNP rs756309002, ClinGen allele CA1909253.
Genomic context (GRCh38, chr2:151,630,822, plus strand): 5'-TATCAGGCATTATGTGAATTTGAGTCTTGTCTTTGTCCCAGGCCTCTGTGTATAAACGCT[A>G]TAAAAGAAGATAAGATGCTGATTAAAAATCATTTGAAATAGAAATGACAAAAAGTTCATT-3'